The following is an entry in ClinVar:

ClinVar aggregate classification (germline): Uncertain significance. Review status: criteria provided, multiple submitters, no conflicts (2 of 4 stars). 2 submissions from 2 submitters: Uncertain significance (2). Last evaluated 2025-03-18.

Conditions:
Inborn genetic diseases. Identifiers: MedGen C0950123, MeSH D030342.
Fanconi anemia (FA). Also called: Fanconi's anemia. Identifiers: Orphanet 84, MedGen C0015625, MeSH D005199, MONDO:0019391.

gnomAD v4.1: 1 of 1,614,102 alleles (0.000062%); highest among the groups gnomAD compares: Non-Finnish European, 0.000085%; no homozygotes.

Submissions (2):

Ambry Genetics
Classification: Uncertain significance for Inborn genetic diseases. Last evaluated: 2025-03-18. Review status: criteria provided, single submitter. Criteria: Ambry Variant Classification Scheme 2023. Collection method: clinical testing. Allele origin: germline.
Comment: The p.L269F variant (also known as c.807G>C), located in coding exon 7 of the FANCG gene, results from a G to C substitution at nucleotide position 807. The leucine at codon 269 is replaced by phenylalanine, an amino acid with highly similar properties. This amino acid position is conserved. In addition, this alteration is predicted to be tolerated by in silico analysis. Based on the available evidence, the clinical significance of this variant remains unclear.

Labcorp Genetics (formerly Invitae), Labcorp
Classification: Uncertain significance for Fanconi anemia. Last evaluated: 2022-09-02. Review status: criteria provided, single submitter. Criteria: Invitae Variant Classification Sherloc (09022015). Collection method: clinical testing. Allele origin: germline.
Comment: This sequence change replaces leucine, which is neutral and non-polar, with phenylalanine, which is neutral and non-polar, at codon 269 of the FANCG protein (p.Leu269Phe). This variant is not present in population databases (gnomAD no frequency). This variant has not been reported in the literature in individuals affected with FANCG-related conditions. Algorithms developed to predict the effect of missense changes on protein structure and function are either unavailable or do not agree on the potential impact of this missense change (SIFT: "Tolerated"; PolyPhen-2: "Probably Damaging"; Align-GVGD: "Class C0"). Algorithms developed to predict the effect of sequence changes on RNA splicing suggest that this variant may create or strengthen a splice site. In summary, the available evidence is currently insufficient to determine the role of this variant in disease. Therefore, it has been classified as a Variant of Uncertain Significance.

NM_004629.2(FANCG):c.807G>C (p.Leu269Phe)

Gene: FANCG (FA complementation group G; minus strand). Cytogenetic location: 9p13.3.
Variant type: single nucleotide variant.
Coding change: c.807G>C on transcript NM_004629.2 (MANE Select); coding-DNA position 807, G replaced by C.
Protein change: p.Leu269Phe; replaces leucine 269 with phenylalanine.
Molecular consequence: missense variant.
Genome position (GRCh38, 1-based): chr9:35,076,841, C>G on the plus strand (G>C on the coding strand, the complement: FANCG is on the minus strand). VCF-style: chr9-35076841-C-G. GRCh37 (hg19) VCF-style: chr9-35076838-C-G.
Other names: short protein forms L269F.
Identifiers: ClinVar variation 2191370 (VCV002191370.5), dbSNP rs1239092898, ClinGen allele CA373313204.
Genomic context (GRCh38, chr9:35,076,841, plus strand): 5'-GAGCCTAGAGGCCTCCAGAAGTGGAGGACCCCAGGCTGATCCCTCTTTCAGGGCTGCAAC[C>G]AAGTACAACAGTGCTCTCTGTGGATTTCCCTAAAGGGATAGGAGGACACGGGCCTCAGCT-3'
Protein context (NP_004620.1, residues 259-279): MGNPQRALLY[Leu269Phe]VAALKEGSAW